The following is an entry in ClinVar:

ClinVar aggregate classification (germline): Pathogenic. Review status: reviewed by expert panel (3 of 4 stars). 3 submissions from 3 submitters: Pathogenic (1). 2 of the submissions do not count toward it. Last evaluated 2016-09-08.

Conditions:
Hereditary breast ovarian cancer syndrome. Also called: Hereditary breast and/or ovarian cancer syndrome; Breast and ovarian cancer; Hereditary breast and ovarian cancer syndrome; Hereditary breast and ovarian cancer; Hereditary breast and ovarian cancer syndrome (HBOC); BRCA1- and BRCA2-Associated Hereditary Breast and Ovarian Cancer. Identifiers: Orphanet 145, MedGen C0677776, MeSH D061325, MONDO:0003582. Disease mechanism: loss of function.
Breast-ovarian cancer, familial, susceptibility to, 1 (BROVCA1). Also called: BRCA1 Hereditary Breast and Ovarian Cancer; OVARIAN CANCER, SUSCEPTIBILITY TO. Identifiers: Orphanet 145, MedGen C2676676, MONDO:0011450, OMIM 604370. Disease mechanism: loss of function.

Submissions (3):

Evidence-based Network for the Interpretation of Germline Mutant Alleles (ENIGMA)
Classification: Pathogenic for Breast-ovarian cancer, familial, susceptibility to, 1. Last evaluated: 2016-09-08. Review status: reviewed by expert panel. Criteria: ENIGMA BRCA1/2 Classification Criteria (2015). Collection method: curation. Allele origin: germline.
Comment: Variant allele predicted to encode a truncated non-functional protein.

Labcorp Genetics (formerly Invitae), Labcorp
Classification: Pathogenic for Hereditary breast ovarian cancer syndrome. Last evaluated: 2018-02-14. Review status: criteria provided, single submitter. Criteria: Invitae Variant Classification Sherloc (09022015). Collection method: clinical testing. Allele origin: germline. Not counted in ClinVar's aggregate classification.
Comment: This sequence change creates a premature translational stop signal (p.Ser1631Lysfs*48) in the BRCA1 gene. It is expected to result in an absent or disrupted protein product. This variant is not present in population databases (ExAC no frequency). This variant has not been reported in the literature in individuals with BRCA1-related disease. ClinVar contains an entry for this variant (Variation ID: 125733). Loss-of-function variants in BRCA1 are known to be pathogenic (PMID: 20104584). For these reasons, this variant has been classified as Pathogenic.

Breast Cancer Information Core (BIC) (BRCA1)
Classification: Pathogenic for Breast-ovarian cancer, familial 1. Last evaluated: 2004-11-25. Review status: no assertion criteria provided. Collection method: clinical testing. Allele origin: germline. Affected: yes. Observed: 1 variant allele. Not counted in ClinVar's aggregate classification.

Literature cited by the submitters: PubMed 20104584 (cited by Labcorp Genetics (formerly Invitae), Labcorp).

NM_007294.4(BRCA1):c.4891dup (p.Ser1631fs)

Gene: BRCA1 (BRCA1 DNA repair associated; minus strand). Cytogenetic location: 17q21.31.
Variant type: Duplication.
Coding change: c.4891dup on transcript NM_007294.4 (MANE Select); coding-DNA position 4891, one base duplicated (A; older notation c.4891dupA).
Protein change: p.Ser1631fs; shifts the reading frame from serine 1631.
Molecular consequence: frameshift variant. On other transcripts: non-coding transcript variant (1).
Genome position (GRCh38, 1-based): chr17:43,071,023, T duplicated on the plus strand (A on the coding strand, the reverse complement: BRCA1 is on the minus strand); the first of 3 consecutive T bases (chr17:43,071,023-43,071,025); duplicating any one gives the same sequence. VCF-style (leftmost placement, unchanged base first): chr17-43071022-C-CT. GRCh37 (hg19) VCF-style: chr17-41223039-C-CT.
Other names: 5010insA; c.4891dupA (NM_007294.3); c.4748dup, p.Ser1584Lysfs (NM_001407726.1, NM_001407727.1, NM_001407728.1 and 12 more transcripts); c.4745dup, p.Ser1583Lysfs (NM_001407732.1, NM_001407733.1, NM_001407734.1 and 21 more transcripts); c.4742dup, p.Ser1582Lysfs (NM_001407838.1, NM_001407839.1, NM_001407841.1 and 12 more transcripts); c.4889dup, p.Ser1631Lysfs (NM_001407854.1, NM_001407593.1, NM_001407594.1 and 8 more transcripts); c.4886dup, p.Ser1630Lysfs (NM_001407858.1, NM_001407859.1, NM_001407860.1 and 17 more transcripts); c.4883dup, p.Ser1629Lysfs (NM_001407861.1, NM_001407627.1, NM_001407628.1 and 14 more transcripts); and 75 more; short protein forms S1652fs, S1584fs, S527fs, S1631fs.
Identifiers: ClinVar variation 125733 (VCV000125733.9), dbSNP rs80357656, ClinGen allele CA003065.
Genomic context (GRCh38, chr17:43,071,022, plus strand): 5'-GACATTCTTTTGTTGACCCTTTCTGTTGAAGCTGTCAATTCTGGCTTCTCCCTGCTCACA[C>CT]TTTCTTCCATTGCATTATACCCAGCAGTATCAGTAGTATGAGCAGCAGCTGGACTCTGGG-3'